The following is an entry in ClinVar:

ClinVar aggregate classification (germline): Uncertain significance (1 of 4 stars; one submission).

Allele frequency attached by ClinVar (database versions not stated): gnomAD exomes below 0.00001; gnomAD 0.00002; TOPMed 0.00002; ExAC 0.00003; ESP Exome Variant Server 0.00008; 1000 Genomes Project 30x 0.00016; 1000 Genomes Project 0.00020.
gnomAD v4.1: 8 of 1,588,740 alleles (0.0005%); highest among the groups gnomAD compares: African/African-American, 0.0094%; no homozygotes.

Submission:

Labcorp Genetics (formerly Invitae), Labcorp
Classification: Uncertain significance. Last evaluated: 2024-12-29. Review status: criteria provided, single submitter. Criteria: Invitae Variant Classification Sherloc (09022015). Collection method: clinical testing. Allele origin: germline.
Comment: This sequence change falls in intron 60 of the TRRAP gene. It does not directly change the encoded amino acid sequence of the TRRAP protein. It affects a nucleotide within the consensus splice site. This variant is present in population databases (rs201308480, gnomAD 0.02%). This variant has not been reported in the literature in individuals affected with TRRAP-related conditions. ClinVar contains an entry for this variant (Variation ID: 2888946). Variants that disrupt the consensus splice site are a relatively common cause of aberrant splicing (PMID: 17576681, 9536098). Algorithms developed to predict the effect of sequence changes on RNA splicing suggest that this variant is not likely to affect RNA splicing. In summary, the available evidence is currently insufficient to determine the role of this variant in disease. Therefore, it has been classified as a Variant of Uncertain Significance.

Literature cited by the submitters: PubMed 17576681; PubMed 9536098.

NM_001375524.1(TRRAP):c.9389+4T>C

Gene: TRRAP (transformation/transcription domain associated protein; plus strand). Cytogenetic location: 7q22.1.
Variant type: single nucleotide variant.
Coding change: c.9389+4T>C on transcript NM_001375524.1 (MANE Select); 4 bases into the intron after coding-DNA position 9389, T replaced by C.
Molecular consequence: intron variant.
Genome position (GRCh38, 1-based): chr7:98,985,048, T>C. VCF-style: chr7-98985048-T-C. GRCh37 (hg19) VCF-style: chr7-98582671-T-C.
Other names: c.9401+4T>C (NM_001244580.2); c.9314+4T>C (NM_003496.4).
Identifiers: ClinVar variation 2888946 (VCV002888946.3), dbSNP rs201308480, ClinGen allele CA4361689.